The following is an entry in ClinVar:

ClinVar aggregate classification (germline): Uncertain significance (1 of 4 stars; one submission).

Allele frequency attached by ClinVar (database versions not stated): gnomAD exomes below 0.00001; TOPMed 0.00001.
gnomAD v4.1: 1 of 1,464,856 alleles (0.000068%); highest among the groups gnomAD compares: South Asian, 0.0013%; no homozygotes.

Submission:

Labcorp Genetics (formerly Invitae), Labcorp
Classification: Uncertain significance. Last evaluated: 2024-01-19. Review status: criteria provided, single submitter. Criteria: Invitae Variant Classification Sherloc (09022015). Collection method: clinical testing. Allele origin: germline.
Comment: This sequence change replaces leucine, which is neutral and non-polar, with phenylalanine, which is neutral and non-polar, at codon 103 of the GRIN2D protein (p.Leu103Phe). This variant is not present in population databases (gnomAD no frequency). This variant has not been reported in the literature in individuals affected with GRIN2D-related conditions. Advanced modeling of protein sequence and biophysical properties (such as structural, functional, and spatial information, amino acid conservation, physicochemical variation, residue mobility, and thermodynamic stability) performed at Invitae indicates that this missense variant is not expected to disrupt GRIN2D protein function with a negative predictive value of 80%. In summary, the available evidence is currently insufficient to determine the role of this variant in disease. Therefore, it has been classified as a Variant of Uncertain Significance.

NM_000836.4(GRIN2D):c.307C>T (p.Leu103Phe)

Gene: GRIN2D (glutamate ionotropic receptor NMDA type subunit 2D; plus strand). Cytogenetic location: 19q13.33.
Variant type: single nucleotide variant.
Coding change: c.307C>T on transcript NM_000836.4 (MANE Select); coding-DNA position 307, C replaced by T.
Protein change: p.Leu103Phe; replaces leucine 103 with phenylalanine.
Molecular consequence: missense variant.
Genome position (GRCh38, 1-based): chr19:48,398,699, C>T. VCF-style: chr19-48398699-C-T. GRCh37 (hg19) VCF-style: chr19-48901956-C-T.
Other names: short protein forms L103F.
Identifiers: ClinVar variation 2710259 (VCV002710259.3), dbSNP rs1457751600, ClinGen allele CA406688912.
Genomic context (GRCh38, chr19:48,398,699, plus strand): 5'-GACGTGCGGCCCGTGGCGCTGGTGCTCAACGGCTCGGACCCGCGCAGCCTCGTGCTGCAG[C>T]TCTGCGACCTGCTGTCGGGGTTGCGCGTGCACGGCGTGGTCTTCGAAGACGACTCGCGCG-3'
Protein context (NP_000827.2, residues 93-113): GSDPRSLVLQ[Leu103Phe]CDLLSGLRVH